The following is an entry in ClinVar:

NM_001267550.2(TTN):c.45809_45810del (p.His15270fs)

Gene: TTN (titin; minus strand). Cytogenetic location: 2q31.2.
Variant type: Microsatellite.
Coding change: c.45809_45810del on transcript NM_001267550.2 (MANE Select); coding-DNA positions 45809 to 45810, 2 bases deleted (AC; older notation c.45809_45810delAC).
Protein change: p.His15270fs; shifts the reading frame from histidine 15270.
Molecular consequence: frameshift variant.
Genome position (GRCh38, 1-based): chr2:178,620,800-178,620,801, GT deleted on the plus strand (AC on the coding strand, the reverse complement: TTN is on the minus strand); deleting any 2 consecutive bases within chr2:178,620,800-178,620,804 gives the same sequence; the c. name uses the placement nearest the transcript's 3' end. VCF-style (leftmost placement, unchanged base first): chr2-178620799-AGT-A. GRCh37 (hg19) VCF-style: chr2-179485526-AGT-A.
Other names: c.40886_40887del, p.His13629fs (NM_001256850.1); c.18614_18615del, p.His6205fs (NM_003319.4); c.38105_38106del, p.His12702fs (NM_133378.4); c.18989_18990del, p.His6330fs (NM_133432.3); c.19190_19191del, p.His6397fs (NM_133437.4); short protein forms H13629fs, H15270fs, H6330fs, H6397fs, H12702fs, H6205fs.
Identifiers: ClinVar variation 1461240 (VCV001461240.6), dbSNP rs2154211339, ClinGen allele CA2580614489.

ClinVar aggregate classification (germline): Likely pathogenic (1 of 4 stars; one submission).

Conditions:
Dilated cardiomyopathy 1G (CMD1G). Identifiers: Orphanet 154, MedGen C1858763, MONDO:0011400, OMIM 604145.
Autosomal recessive limb-girdle muscular dystrophy type 2J (LGMDR10). Also called: Limb-girdle muscular dystrophy, type 2J; MUSCULAR DYSTROPHY, LIMB-GIRDLE, AUTOSOMAL RECESSIVE 10. Identifiers: Orphanet 140922, MedGen C1837342, MONDO:0012127, OMIM 608807.

Submission:

Labcorp Genetics (formerly Invitae), Labcorp
Classification: Likely pathogenic for Dilated cardiomyopathy 1G; Autosomal recessive limb-girdle muscular dystrophy type 2J. Last evaluated: 2024-03-11. Review status: criteria provided, single submitter. Criteria: Invitae Variant Classification Sherloc (09022015). Collection method: clinical testing. Allele origin: germline.
Comment: This sequence change creates a premature translational stop signal (p.His15270Leufs*3) in the TTN gene. While this is not anticipated to result in nonsense mediated decay, it is expected to create a truncated TTN protein. This variant is not present in population databases (gnomAD no frequency). This variant has not been reported in the literature in individuals affected with TTN-related conditions. ClinVar contains an entry for this variant (Variation ID: 1461240). This variant is located in the I band of TTN (PMID: 25589632). Truncating variants in this region have been reported in individuals affected with autosomal recessive centronuclear myopathy (PMID: 23975875, Invitae internal data). Truncating variants in this region have also been identified in individuals affected with autosomal dominant dilated cardiomyopathy and/or cardio-related conditions (PMID: 27869827, 32964742, Invitae internal data). In summary, the currently available evidence indicates that the variant is pathogenic, but additional data are needed to prove that conclusively. Therefore, this variant has been classified as Likely Pathogenic.

Literature cited by the submitters: PubMed 25589632; PubMed 23975875; PubMed 27869827; PubMed 32964742.